The following is an entry in ClinVar:

NM_001005361.3(DNM2):c.1584C>T (p.Ile528=)

Gene: DNM2 (dynamin 2; plus strand). Cytogenetic location: 19p13.2.
Variant type: single nucleotide variant.
Coding change: c.1584C>T on transcript NM_001005361.3 (MANE Select); coding-DNA position 1584, C replaced by T.
Protein change: p.Ile528=; no amino-acid change (isoleucine 528 retained).
Molecular consequence: synonymous variant.
Genome position (GRCh38, 1-based): chr19:10,812,290, C>T. VCF-style: chr19-10812290-C-T. GRCh37 (hg19) VCF-style: chr19-10922966-C-T.
Other names: c.1584C>T, p.Ile528= (NM_001005360.3, NM_001190716.2); c.1572C>T, p.Ile524= (NM_001005362.3, NM_004945.4).
Identifiers: ClinVar variation 391188 (VCV000391188.7), dbSNP rs935512495, ClinGen allele CA16607988.
Genomic context (GRCh38, chr19:10,812,290, plus strand): 5'-GAGGTTCCCTGCTAAGCTGCGCGCTTTCCCCCAGGTGATCCGCAGGGGCTGGCTGACCAT[C>T]AACAACATCAGCCTGATGAAAGGCGGCTCCAAGGAGTACTGGTTTGTGCTGACTGCCGAG-3'
Protein context (NP_001005361.1, residues 518-538): ILVIRRGWLT[Ile528=]NNISLMKGGS

ClinVar aggregate classification (germline): Likely benign. Review status: criteria provided, multiple submitters, no conflicts (2 of 4 stars). 3 submissions from 3 submitters: Likely benign (3). Last evaluated 2022-03-04.

Conditions:
Inborn genetic diseases. Identifiers: MedGen C0950123, MeSH D030342.
Charcot-Marie-Tooth disease dominant intermediate B (CMTDIB). Also called: CHARCOT-MARIE-TOOTH NEUROPATHY, DOMINANT INTERMEDIATE B; Charcot-Marie-Tooth disease dominant intermediate 1; CMT DI1; Charcot-Marie-Tooth disease dominant intermediate I. Identifiers: Orphanet 100044, Orphanet 228179, MedGen C1847902, MONDO:0011674, OMIM 606482.

Allele frequency attached by ClinVar (database versions not stated): TOPMed 0.00001.
gnomAD v4.1: 2 of 1,608,074 alleles (0.00012%); highest among the groups gnomAD compares: Non-Finnish European, 0.00017%; no homozygotes.

Submissions (3):

Labcorp Genetics (formerly Invitae), Labcorp
Classification: Likely benign for Charcot-Marie-Tooth disease dominant intermediate B. Last evaluated: 2022-03-04. Review status: criteria provided, single submitter. Criteria: Invitae Variant Classification Sherloc (09022015). Collection method: clinical testing. Allele origin: germline.

Ambry Genetics
Classification: Likely benign for Inborn genetic diseases. Last evaluated: 2019-07-11. Review status: criteria provided, single submitter. Criteria: Ambry Variant Classification Scheme 2023. Collection method: clinical testing. Allele origin: germline.

GeneDx
Classification: Likely benign. Last evaluated: 2016-11-23. Review status: criteria provided, single submitter. Criteria: GeneDx Variant Classification (06012015). Collection method: clinical testing. Allele origin: germline. Affected: yes.
Comment: This variant is considered likely benign or benign based on one or more of the following criteria: it is a conservative change, it occurs at a poorly conserved position in the protein, it is predicted to be benign by multiple in silico algorithms, and/or has population frequency not consistent with disease.